The following is an entry in ClinVar:

NM_017433.5(MYO3A):c.3225C>G (p.Tyr1075Ter)

Gene: MYO3A (myosin IIIA; plus strand). Cytogenetic location: 10p12.1.
Variant type: single nucleotide variant.
Coding change: c.3225C>G on transcript NM_017433.5 (MANE Select); coding-DNA position 3225, C replaced by G.
Protein change: p.Tyr1075Ter; replaces tyrosine 1075 with a stop codon.
Molecular consequence: nonsense.
Genome position (GRCh38, 1-based): chr10:26,168,825, C>G. VCF-style: chr10-26168825-C-G. GRCh37 (hg19) VCF-style: chr10-26457754-C-G.
Other names: short protein forms Y1075*.
Identifiers: ClinVar variation 2843851 (VCV002843851.3), dbSNP rs2493910357, ClinGen allele CA376337570.

ClinVar aggregate classification (germline): Pathogenic (1 of 4 stars; one submission).

Allele frequency attached by ClinVar (database versions not stated): gnomAD exomes below 0.00001.
gnomAD v4.1: 1 of 1,612,424 alleles (0.000062%); highest among the groups gnomAD compares: East Asian, 0.0022%; no homozygotes.

Submission:

Labcorp Genetics (formerly Invitae), Labcorp
Classification: Pathogenic. Last evaluated: 2023-09-06. Review status: criteria provided, single submitter. Criteria: Invitae Variant Classification Sherloc (09022015). Collection method: clinical testing. Allele origin: germline.
Comment: For these reasons, this variant has been classified as Pathogenic. This variant has not been reported in the literature in individuals affected with MYO3A-related conditions. This variant is not present in population databases (gnomAD no frequency). This sequence change creates a premature translational stop signal (p.Tyr1075*) in the MYO3A gene. It is expected to result in an absent or disrupted protein product. Loss-of-function variants in MYO3A are known to be pathogenic (PMID: 12032315, 23990876).

Literature cited by the submitters: PubMed 12032315; PubMed 23990876.